The following is an entry in ClinVar:

ClinVar aggregate classification (germline): Uncertain significance. Review status: criteria provided, multiple submitters, no conflicts (2 of 4 stars). 2 submissions from 2 submitters: Uncertain significance (2). Last evaluated 2026-05-08.

Conditions:
TTN-related disorder. Also called: TTN-related disorders; TTN-related condition; TTN-related disease.
Autosomal recessive limb-girdle muscular dystrophy type 2J (LGMDR10). Also called: Limb-girdle muscular dystrophy, type 2J; MUSCULAR DYSTROPHY, LIMB-GIRDLE, AUTOSOMAL RECESSIVE 10. Identifiers: Orphanet 140922, MedGen C1837342, MONDO:0012127, OMIM 608807.
Dilated cardiomyopathy 1G (CMD1G). Identifiers: Orphanet 154, MedGen C1858763, MONDO:0011400, OMIM 604145.

Allele frequency attached by ClinVar (database versions not stated): gnomAD exomes below 0.00001; TOPMed 0.00001.
gnomAD v4.1: 1 of 1,613,490 alleles (0.000062%); highest among the groups gnomAD compares: African/African-American, 0.0013%; no homozygotes.

Submissions (2):

PreventionGenetics, part of Exact Sciences
Classification: Uncertain significance for TTN-related condition. Last evaluated: 2026-05-08. Review status: criteria provided, single submitter. Criteria: ACMG Guidelines, 2015. Collection method: clinical testing. Allele origin: germline.
Comment: The TTN c.75325C>T variant is predicted to result in the amino acid substitution p.Pro25109Ser. To our knowledge, this variant has not been reported in the literature or in a large population database (gnomAD), indicating this variant is rare. At this time, the clinical significance of this variant is uncertain due to the absence of conclusive functional and genetic evidence.

Labcorp Genetics (formerly Invitae), Labcorp
Classification: Uncertain significance for Dilated cardiomyopathy 1G; Autosomal recessive limb-girdle muscular dystrophy type 2J. Last evaluated: 2016-10-04. Review status: criteria provided, single submitter. Criteria: Invitae Variant Classification Sherloc (09022015). Collection method: clinical testing. Allele origin: germline.

NM_001267550.2(TTN):c.75325C>T (p.Pro25109Ser)

Genes: TTN (titin; minus strand), TTN-AS1 (TTN antisense RNA 1; plus strand). Cytogenetic location: 2q31.2.
Variant type: single nucleotide variant.
Coding change: c.75325C>T on transcript NM_001267550.2 (MANE Select); coding-DNA position 75325, C replaced by T.
Protein change: p.Pro25109Ser; replaces proline 25109 with serine.
Molecular consequence: missense variant.
Genome position (GRCh38, 1-based): chr2:178,570,807, G>A on the plus strand (C>T on the coding strand, the complement: TTN is on the minus strand). VCF-style: chr2-178570807-G-A. GRCh37 (hg19) VCF-style: chr2-179435534-G-A.
Other names: c.70402C>T, p.Pro23468Ser (NM_001256850.1); c.48130C>T, p.Pro16044Ser (NM_003319.4); c.67621C>T, p.Pro22541Ser (NM_133378.4); c.48505C>T, p.Pro16169Ser (NM_133432.3); c.48706C>T, p.Pro16236Ser (NM_133437.4); short protein forms P25109S, P23468S, P16169S, P22541S, P16044S, P16236S.
Identifiers: ClinVar variation 404927 (VCV000404927.4), dbSNP rs1060500498, ClinGen allele CA16610297.